The following is an entry in ClinVar:

NM_000369.5(TSHR):c.*1813T>A

Genes: TSHR (thyroid stimulating hormone receptor; plus strand), TSHR-AS1 (TSHR antisense RNA 1; minus strand). Cytogenetic location: 14q31.1.
Variant type: single nucleotide variant.
Coding change: c.*1813T>A on transcript NM_000369.5 (MANE Select); 1813 bases downstream of the stop codon, T replaced by A.
Molecular consequence: 3 prime UTR variant.
Genome position (GRCh38, 1-based): chr14:81,146,166, T>A. VCF-style: chr14-81146166-T-A. GRCh37 (hg19) VCF-style: chr14-81612510-T-A.
Identifiers: ClinVar variation 314724 (VCV000314724.5), dbSNP rs58832257, ClinGen allele CA10645167.

ClinVar aggregate classification (germline): Benign/Likely benign. Review status: criteria provided, single submitter (1 of 4 stars). 2 submissions from 1 submitter: Benign (1); Likely benign (1). Last evaluated 2018-01-12.

Conditions:
Hypothyroidism due to TSH receptor mutations. Also called: HYPOTHYROIDISM DUE TO UNRESPONSIVENESS TO THYROTROPIN; HYPOTHYROIDISM, CONGENITAL, DUE TO TSH RESISTANCE; HYPOTHYROIDISM, NONAUTOIMMUNE; THYROID-STIMULATING HORMONE, RESISTANCE TO; TSH RESISTANCE; Hypothyroidism, congenital, nongoitrous, 1. Identifiers: Orphanet 90673, MedGen C3493776, MONDO:0010142, OMIM 275200.
Familial hyperthyroidism due to mutations in TSH receptor. Also called: HYPERTHYROIDISM, CONGENITAL NONAUTOIMMUNE; HYPERTHYROIDISM, NONAUTOIMMUNE, AUTOSOMAL DOMINANT; TOXIC THYROID HYPERPLASIA, AUTOSOMAL DOMINANT. Identifiers: Orphanet 424, MedGen C1836706, MONDO:0012203, OMIM 609152.

Allele frequency attached by ClinVar (database versions not stated): gnomAD exomes 0.00546; gnomAD 0.02518 and 0.02711; 1000 Genomes Project 0.02536; 1000 Genomes Project 30x 0.02623; TOPMed 0.02832.
gnomAD v4.1: 4,237 of 225,768 alleles (1.9%); highest among the groups gnomAD compares: African/African-American, 8.6%; 178 homozygotes.

Submissions (2):

Illumina Laboratory Services, Illumina
Classification: Likely benign for Hypothyroidism due to TSH receptor mutations. Last evaluated: 2018-01-12. Review status: criteria provided, single submitter. Criteria: ICSL Variant Classification Criteria 13 December 2019. Collection method: clinical testing. Allele origin: germline.
Comment: This variant was observed in the ICSL laboratory as part of a predisposition screen in an ostensibly healthy population. It had not been previously curated by ICSL or reported in the Human Gene Mutation Database (HGMD: prior to June 1st, 2018), and was therefore a candidate for classification through an automated scoring system. Utilizing variant allele frequency, disease prevalence and penetrance estimates, and inheritance mode, an automated score was calculated to assess if this variant is too frequent to cause the disease. Based on the score and internal cut-off values, a variant classified as likely benign is not then subjected to further curation. The score for this variant resulted in a classification of likely benign for this disease.

Illumina Laboratory Services, Illumina
Classification: Benign for Familial hyperthyroidism due to mutations in TSH receptor. Last evaluated: 2018-01-12. Review status: criteria provided, single submitter. Criteria: ICSL Variant Classification Criteria 13 December 2019. Collection method: clinical testing. Allele origin: germline.
Comment: This variant was observed in the ICSL laboratory as part of a predisposition screen in an ostensibly healthy population. It had not been previously curated by ICSL or reported in the Human Gene Mutation Database (HGMD: prior to June 1st, 2018), and was therefore a candidate for classification through an automated scoring system. Utilizing variant allele frequency, disease prevalence and penetrance estimates, and inheritance mode, an automated score was calculated to assess if this variant is too frequent to cause the disease. Based on the score and internal cut-off values, a variant classified as benign is not then subjected to further curation. The score for this variant resulted in a classification of benign for this disease.